The following is an entry in ClinVar:

NM_001267550.2(TTN):c.39211+6C>T

Gene: TTN (titin; minus strand). Cytogenetic location: 2q31.2.
Variant type: single nucleotide variant.
Coding change: c.39211+6C>T on transcript NM_001267550.2 (MANE Select); 6 bases into the intron after coding-DNA position 39211, C replaced by T.
Molecular consequence: intron variant.
Genome position (GRCh38, 1-based): chr2:178,652,258, G>A on the plus strand (C>T on the coding strand, the complement: TTN is on the minus strand). VCF-style: chr2-178652258-G-A. GRCh37 (hg19) VCF-style: chr2-179516985-G-A.
Other names: p.?; c.13283-9941C>T (NM_003319.4); c.13859-9941C>T (NM_133437.4); c.13658-9941C>T (NM_133432.3); c.31909+6C>T (NM_133378.4); c.34690+6C>T (NM_001256850.1).
Identifiers: ClinVar variation 46923 (VCV000046923.105), dbSNP rs187365142, ClinGen allele CA210973.

ClinVar aggregate classification (germline): Conflicting classifications of pathogenicity. Review status: criteria provided, conflicting classifications (1 of 4 stars). 21 submissions from 17 submitters: Uncertain significance (5); Benign (4); Likely benign (7). 5 of the submissions do not count toward it. Last evaluated 2026-03-01.

Conditions:
Dilated cardiomyopathy 1G (CMD1G). Identifiers: Orphanet 154, MedGen C1858763, MONDO:0011400, OMIM 604145.
Autosomal recessive limb-girdle muscular dystrophy type 2J (LGMDR10). Also called: MUSCULAR DYSTROPHY, LIMB-GIRDLE, AUTOSOMAL RECESSIVE 10; Limb-girdle muscular dystrophy, type 2J. Identifiers: Orphanet 140922, MedGen C1837342, MONDO:0012127, OMIM 608807.
Cardiomyopathy (CMYO). Also called: Cardiomyopathies. Identifiers: Orphanet 167848, MedGen C0878544, MONDO:0004994, HP:0001638. Inheritance: Various modes of inheritance.
Early-onset myopathy with fatal cardiomyopathy (CMYO5). Also called: CONGENITAL MYOPATHY 5 WITH CARDIOMYOPATHY; Salih Myopathy. Identifiers: Orphanet 289377, MedGen C2673677, MONDO:0012714, OMIM 611705. Disease mechanism: loss of function.
Myopathy, myofibrillar, 9, with early respiratory failure (MFM9). Also called: Myopathy, distal, with early respiratory failure, autosomal dominant; Hereditary myopathy with early respiratory failure; MYOPATHY, PROXIMAL, WITH EARLY RESPIRATORY MUSCLE INVOLVEMENT; EDSTROM MYOPATHY. Identifiers: Orphanet 178464, Orphanet 34521, MedGen C1863599, MONDO:0011362, OMIM 603689.
Primary dilated cardiomyopathy (DCM). Also called: Dilated Cardiomyopathy. Identifiers: Orphanet 217604, MedGen C0007193, MeSH D002311, MONDO:0005021, HP:0001644. Inheritance: Various modes of inheritance.
Tibial muscular dystrophy (TMD). Also called: Udd Distal Myopathy – Tibial Muscular Dystrophy; Tibial muscular dystrophy, tardive; UDD MYOPATHY. Identifiers: Orphanet 609, MedGen C1838244, MONDO:0010870, OMIM 600334.

Allele frequency attached by ClinVar (database versions not stated): TOPMed 0.00052; ExAC 0.00053; gnomAD 0.00057 and 0.00061; ESP Exome Variant Server 0.00085; gnomAD exomes 0.00044 and 0.00075.
gnomAD v4.1: 1,203 of 1,613,398 alleles (0.075%); highest among the groups gnomAD compares: Non-Finnish European, 0.088%; 3 homozygotes.

Submissions (21):

CeGaT Center for Human Genetics Tuebingen
Classification: Likely benign. Last evaluated: 2026-03-01. Review status: criteria provided, single submitter. Criteria: CeGaT Center For Human Genetics Tuebingen Variant Classification Criteria Version 2. Collection method: clinical testing. Allele origin: germline. Affected: yes. Observed: 6 variant alleles.
Comment: TTN: BP4, BS2

Labcorp Genetics (formerly Invitae), Labcorp
Classification: Likely benign for Dilated cardiomyopathy 1G; Autosomal recessive limb-girdle muscular dystrophy type 2J. Last evaluated: 2026-02-01. Review status: criteria provided, single submitter. Criteria: Invitae Variant Classification Sherloc (09022015). Collection method: clinical testing. Allele origin: germline.

Mayo Clinic Laboratories, Mayo Clinic
Classification: Likely benign. Last evaluated: 2025-08-07. Review status: criteria provided, single submitter. Criteria: ACMG Guidelines, 2015. Collection method: clinical testing. Allele origin: germline. Observed: 3 variant alleles.
Comment: BS1, BP4, BP7

ARUP Laboratories, Molecular Genetics and Genomics, ARUP Laboratories
Classification: Likely benign. Last evaluated: 2025-04-08. Review status: criteria provided, single submitter. Criteria: ARUP Molecular Germline Variant Investigation Process 2024. Collection method: clinical testing. Allele origin: germline.

Blueprint Genetics
Classification: Likely benign. Last evaluated: 2024-10-17. Review status: criteria provided, single submitter. Criteria: ACMG Guidelines, 2015. Collection method: clinical testing. Allele origin: germline.

Women's Health and Genetics/Laboratory Corporation of America, LabCorp
Classification: Benign. Last evaluated: 2021-09-25. Review status: criteria provided, single submitter. Criteria: LabCorp Variant Classification Summary - May 2015. Collection method: clinical testing. Allele origin: germline.

CHEO Genetics Diagnostic Laboratory, Children's Hospital of Eastern Ontario
Classification: Likely benign for Cardiomyopathy. Last evaluated: 2019-09-09. Review status: criteria provided, single submitter. Criteria: ACMG Guidelines, 2015. Collection method: clinical testing. Allele origin: germline.

Center for Advanced Laboratory Medicine, UC San Diego Health, University of California San Diego
Classification: Likely benign for Dilated cardiomyopathy. Last evaluated: 2018-10-30. Review status: criteria provided, single submitter. Criteria: ACMG Guidelines, 2015. Collection method: clinical testing. Allele origin: germline. Affected: yes. Observed: 2 variant alleles.

Illumina Laboratory Services, Illumina
Classification: Uncertain significance for Autosomal recessive limb-girdle muscular dystrophy type 2J. Last evaluated: 2018-01-12. Review status: criteria provided, single submitter. Criteria: ICSL Variant Classification Criteria 13 December 2019. Collection method: clinical testing. Allele origin: germline.

Illumina Laboratory Services, Illumina
Classification: Benign for Tibial muscular dystrophy. Last evaluated: 2018-01-12. Review status: criteria provided, single submitter. Criteria: ICSL Variant Classification Criteria 13 December 2019. Collection method: clinical testing. Allele origin: germline.
Comment: This variant was observed in the ICSL laboratory as part of a predisposition screen in an ostensibly healthy population. It had not been previously curated by ICSL or reported in the Human Gene Mutation Database (HGMD: prior to June 1st, 2018), and was therefore a candidate for classification through an automated scoring system. Utilizing variant allele frequency, disease prevalence and penetrance estimates, and inheritance mode, an automated score was calculated to assess if this variant is too frequent to cause the disease. Based on the score and internal cut-off values, a variant classified as benign is not then subjected to further curation. The score for this variant resulted in a classification of benign for this disease.

Illumina Laboratory Services, Illumina
Classification: Uncertain significance for Dilated cardiomyopathy 1G. Last evaluated: 2018-01-12. Review status: criteria provided, single submitter. Criteria: ICSL Variant Classification Criteria 13 December 2019. Collection method: clinical testing. Allele origin: germline.

Illumina Laboratory Services, Illumina
Classification: Benign for Myopathy, myofibrillar, 9, with early respiratory failure. Last evaluated: 2018-01-12. Review status: criteria provided, single submitter. Criteria: ICSL Variant Classification Criteria 13 December 2019. Collection method: clinical testing. Allele origin: germline.
Comment: the same text as in the submission from Illumina Laboratory Services, Illumina above.

Illumina Laboratory Services, Illumina
Classification: Uncertain significance for Early-onset myopathy with fatal cardiomyopathy. Last evaluated: 2018-01-12. Review status: criteria provided, single submitter. Criteria: ICSL Variant Classification Criteria 13 December 2019. Collection method: clinical testing. Allele origin: germline.

Eurofins Ntd Llc (ga)
Classification: Uncertain significance. Last evaluated: 2015-08-26. Review status: criteria provided, single submitter. Criteria: EGL Classification Definitions 2015. Collection method: clinical testing. Allele origin: germline. Observed: 9 variant alleles, 9 heterozygotes.

Laboratory for Molecular Medicine, Mass General Brigham Personalized Medicine
Classification: Uncertain significance. Last evaluated: 2015-04-14. Review status: criteria provided, single submitter. Criteria: LMM Criteria. Collection method: clinical testing. Allele origin: germline. Observed: 4 variant alleles.
Comment: Variant classified as Uncertain Significance - Favor Benign. The c.31909+6C>T va riant in TTN has been identified by our laboratory in 1 adult with DCM and 1 inf ant with LVNC and congenital heart defects. This variant has been identified in 0.1% (51/66730) of European chromosomes by the Exome Aggregation Consortium (ExA C; dbSNP rs187365142). The c.31909+6C>T variant is located in the 5' splice region. Computational tools do not suggest an impact to splicing. However, this information is not predictive enough to rule out pat hogenicity. In summary, while the clinical significance of the c.31909+6C>T vari ant is uncertain, its frequency suggests that it is more likely to be benign.

GeneDx
Classification: Benign. Last evaluated: 2014-05-01. Review status: criteria provided, single submitter. Criteria: GeneDx Variant Classification (06012015). Collection method: clinical testing. Allele origin: germline. Affected: yes.
Comment: This variant is considered likely benign or benign based on one or more of the following criteria: it is a conservative change, it occurs at a poorly conserved position in the protein, it is predicted to be benign by multiple in silico algorithms, and/or has population frequency not consistent with disease.

Clinical Genetics DNA and cytogenetics Diagnostics Lab, Erasmus MC, Erasmus Medical Center
Classification: Benign. Review status: no assertion criteria provided. Collection method: clinical testing. Allele origin: germline. Affected: yes. Study: VKGL Data-share Consensus. Not counted in ClinVar's aggregate classification.

Clinical Genetics, Academic Medical Center
Classification: Benign. Review status: no assertion criteria provided. Collection method: clinical testing. Allele origin: germline. Affected: yes. Study: VKGL Data-share Consensus. Not counted in ClinVar's aggregate classification.

Diagnostic Laboratory, Department of Genetics, University Medical Center Groningen
Classification: Likely benign. Review status: no assertion criteria provided. Collection method: clinical testing. Allele origin: germline. Affected: yes. Study: VKGL Data-share Consensus. Not counted in ClinVar's aggregate classification.

Genome Diagnostics Laboratory, University Medical Center Utrecht
Classification: Likely benign. Review status: no assertion criteria provided. Collection method: clinical testing. Allele origin: germline. Affected: yes. Study: VKGL Data-share Consensus. Not counted in ClinVar's aggregate classification.

Joint Genome Diagnostic Labs from Nijmegen and Maastricht, Radboudumc and MUMC+
Classification: Benign. Review status: no assertion criteria provided. Collection method: clinical testing. Allele origin: germline. Affected: yes. Study: VKGL Data-share Consensus. Not counted in ClinVar's aggregate classification.